The following is an entry in ClinVar:

NM_001142800.2(EYS):c.7274G>A (p.Gly2425Glu)

Gene: EYS (eyes shut homolog; minus strand). Cytogenetic location: 6q12.
Variant type: single nucleotide variant.
Coding change: c.7274G>A on transcript NM_001142800.2 (MANE Select); coding-DNA position 7274, G replaced by A.
Protein change: p.Gly2425Glu; replaces glycine 2425 with glutamic acid.
Molecular consequence: missense variant.
Genome position (GRCh38, 1-based): chr6:63,806,327, C>T on the plus strand (G>A on the coding strand, the complement: EYS is on the minus strand). VCF-style: chr6-63806327-C-T. GRCh37 (hg19) VCF-style: chr6-64516220-C-T.
Other names: c.7274G>A, p.Gly2425Glu (NM_001292009.2); short protein forms G2425E.
Identifiers: ClinVar variation 837386 (VCV000837386.7), dbSNP rs1201593554, ClinGen allele CA364388112.

ClinVar aggregate classification (germline): Uncertain significance. Review status: criteria provided, single submitter (1 of 4 stars). 2 submissions from 2 submitters: Uncertain significance (1). 1 of the submissions does not count toward it. Last evaluated 2021-09-02.

Conditions:
Retinitis pigmentosa 25 (RP25). Identifiers: Orphanet 791, MedGen C1864446, MONDO:0011272, OMIM 602772.

Allele frequency attached by ClinVar (database versions not stated): gnomAD 0.00001; gnomAD exomes 0.00001.
gnomAD v4.1: 8 of 1,550,908 alleles (0.00052%); highest among the groups gnomAD compares: Non-Finnish European, 0.0007%; no homozygotes.

Submissions (2):

Labcorp Genetics (formerly Invitae), Labcorp
Classification: Uncertain significance. Last evaluated: 2021-09-02. Review status: criteria provided, single submitter. Criteria: Invitae Variant Classification Sherloc (09022015). Collection method: clinical testing. Allele origin: germline.
Comment: This sequence change replaces glycine with glutamic acid at codon 2425 of the EYS protein (p.Gly2425Glu). The glycine residue is highly conserved and there is a moderate physicochemical difference between glycine and glutamic acid. This variant is not present in population databases (ExAC no frequency). This variant has not been reported in the literature in individuals affected with EYS-related conditions. Algorithms developed to predict the effect of missense changes on protein structure and function output the following: SIFT: "Deleterious"; PolyPhen-2: "Probably Damaging"; Align-GVGD: "Class C65". The glutamic acid amino acid residue is found in multiple mammalian species, which suggests that this missense change does not adversely affect protein function. In summary, the available evidence is currently insufficient to determine the role of this variant in disease. Therefore, it has been classified as a Variant of Uncertain Significance.

Natera, Inc.
Classification: Uncertain significance for Retinitis pigmentosa type 25. Last evaluated: 2020-12-14. Review status: no assertion criteria provided. Collection method: clinical testing. Allele origin: germline. Not counted in ClinVar's aggregate classification.